The following is an entry in ClinVar:

ClinVar aggregate classification (germline): Pathogenic (1 of 4 stars; one submission).

Conditions:
Duchenne muscular dystrophy (DMD). Also called: MUSCULAR DYSTROPHY, PSEUDOHYPERTROPHIC PROGRESSIVE, DUCHENNE TYPE; Duchenne Muscular Dystrophy (DMD). Identifiers: Orphanet 98896, MedGen C0013264, MONDO:0010679, OMIM 310200.

Submission:

Labcorp Genetics (formerly Invitae), Labcorp
Classification: Pathogenic for Duchenne muscular dystrophy. Last evaluated: 2022-03-26. Review status: criteria provided, single submitter. Criteria: Invitae Variant Classification Sherloc (09022015). Collection method: clinical testing. Allele origin: germline.
Comment: For these reasons, this variant has been classified as Pathogenic. This variant has not been reported in the literature in individuals affected with DMD-related conditions. This variant is not present in population databases (gnomAD no frequency). This sequence change creates a premature translational stop signal (p.Val144Glyfs*7) in the DMD gene. It is expected to result in an absent or disrupted protein product. Loss-of-function variants in DMD are known to be pathogenic (PMID: 16770791, 25007885).

Literature cited by the submitters: PubMed 16770791; PubMed 25007885.

NM_004006.3(DMD):c.430dup (p.Val144fs)

Gene: DMD (dystrophin; minus strand). Cytogenetic location: Xp21.1.
Variant type: Duplication.
Coding change: c.430dup on transcript NM_004006.3 (MANE Select); coding-DNA position 430, one base duplicated (G; older notation c.430dupG).
Protein change: p.Val144fs; shifts the reading frame from valine 144.
Molecular consequence: frameshift variant.
Genome position (GRCh38, 1-based): chrX:32,816,568, C duplicated on the plus strand (G on the coding strand, the reverse complement: DMD is on the minus strand); the first of 3 consecutive C bases (chrX:32,816,568-32,816,570); duplicating any one gives the same sequence. VCF-style (leftmost placement, unchanged base first): chrX-32816567-A-AC. GRCh37 (hg19) VCF-style: chrX-32834684-A-AC.
Other names: c.406dup, p.Val136fs (NM_000109.4); c.418dup, p.Val140fs (NM_004009.3); c.61dup, p.Val21fs (NM_004010.3); short protein forms V136fs, V140fs, V144fs, V21fs.
Identifiers: ClinVar variation 2117310 (VCV002117310.4), dbSNP rs2524326208, ClinGen allele CA2580100757.
Genomic context (GRCh38, chrX:32,816,567, plus strand): 5'-GACCAGCTGGTGGTGAAGTTGATTACATTAACCTGTGGATAATTACGAGTTGATTGTCGG[A>AC]CCCAGCTCAGGAGAATCTTTTCACTGTTGGTTTGTTGCAATCCAGCCATGATATTTTTCA-3'